The following is an entry in ClinVar:

ClinVar aggregate classification (germline): Pathogenic (1 of 4 stars; one submission).

Conditions:
Emery-Dreifuss muscular dystrophy 1, X-linked (EDMD1). Also called: Muscular dystrophy, tardive, Dreifuss-Emery type, with contractures; EMD-Related Emery-Dreifuss Muscular Dystrophy, X-Linked; SCAPULOPERONEAL SYNDROME, X-LINKED; HUMEROPERONEAL NEUROMUSCULAR DISEASE. Identifiers: MedGen CN375556, MONDO:0100531, OMIM 310300.

Submission:

Victorian Clinical Genetics Services, Murdoch Childrens Research Institute
Classification: Pathogenic for Emery-Dreifuss muscular dystrophy 1, X-linked. Last evaluated: 2023-07-17. Review status: criteria provided, single submitter. Criteria: ACMG Guidelines, 2015. Collection method: clinical testing. Allele origin: germline. Inheritance: X-linked recessive inheritance.
Comment: Based on the classification scheme VCGS_Germline_v1.3.4, this variant is classified as Pathogenic. Following criteria are met: 0102 - Loss of function is a known mechanism of disease in this gene and is associated with Emery-Dreifuss muscular dystrophy 1 (MIM#310300). (I) 0109 - This gene is associated with X-linked recessive disease. (I) 0204 - Variant is predicted to result in a truncated protein (premature termination codon is NOT located at least 54 nucleotides upstream of the final exon-exon junction) with at least 1/3 of the protein sequence affected. (SP) 0251 - This variant is heterozygous. (I) 0301 - Variant is absent from gnomAD (both v2 and v3). (SP) 0701 - Other variants resulting in a truncated protein comparable to the one identified in this case have very strong previous evidence for pathogenicity (DECIPHER). (SP) 0803 - This variant has limited previous evidence of pathogenicity. (SP) 0905 - No published segregation evidence has been identified for this variant. (I) 1007 - No published functional evidence has been identified for this variant. (I) 1208 - Inheritance information for this variant is not currently available in this individual. (I) Legend: (SP) - Supporting pathogenic, (I) - Information, (SB) - Supporting benign

Literature cited by the submitters: PubMed 21697856.

NM_000117.3(EMD):c.428_430del (p.Ser143_Glu144delinsTer)

Gene: EMD (emerin; plus strand). Cytogenetic location: Xq28.
Variant type: Deletion.
Coding change: c.428_430del on transcript NM_000117.3 (MANE Select); coding-DNA positions 428 to 430, 3 bases deleted (CTG; older notation c.428_430delCTG).
Protein change: p.Ser143_Glu144delinsTer.
Molecular consequence: nonsense.
Genome position (GRCh38, 1-based): chrX:154,380,781-154,380,783, CTG deleted. VCF-style (leftmost placement, unchanged base first): chrX-154380780-TCTG-T. GRCh37 (hg19) VCF-style: chrX-153609140-TCTG-T.
Identifiers: ClinVar variation 3254765 (VCV003254765.1), dbSNP rs2522789891.
Genomic context (GRCh38, chrX:154,380,780, plus strand): 5'-AGCCAGTCCCCTCGCCCTGACTCTCTTCTGCAGGTGCATGATGACGATCTTTTGTCTTCT[TCTG>T]AAGAGGAGTGCAAGGATAGGTGCGTAGTGGGGGAGCCCAGGGACGGGCTGGTTCTGGGTC-3'